The following is an entry in ClinVar:

ClinVar aggregate classification (germline): Conflicting classifications of pathogenicity. Review status: criteria provided, conflicting classifications (1 of 4 stars). 5 submissions from 5 submitters: Uncertain significance (3); Likely benign (2). Last evaluated 2025-12-23.

Conditions:
Type 2 diabetes mellitus. Also called: Type II diabetes mellitus. Identifiers: MedGen C0011860, MeSH D003924, MONDO:0005148, OMIM 125853, HP:0005978.
Maturity-onset diabetes of the young type 9 (MODY9). Identifiers: Orphanet 552, MedGen C2677132, MONDO:0012818, OMIM 612225.
PAX4-related disorder. Also called: PAX4-related condition.

Allele frequency attached by ClinVar (database versions not stated): ESP Exome Variant Server 0.00031; 1000 Genomes Project 0.00040; 1000 Genomes Project 30x 0.00047; gnomAD exomes 0.00053 and 0.00062; ExAC 0.00071.
gnomAD v4.1: 860 of 1,607,864 alleles (0.053%); highest among the groups gnomAD compares: South Asian, 0.19%; 5 homozygotes.

Submissions (5):

Labcorp Genetics (formerly Invitae), Labcorp
Classification: Uncertain significance. Last evaluated: 2025-12-23. Review status: criteria provided, single submitter. Criteria: Invitae Variant Classification Sherloc (09022015). Collection method: clinical testing. Allele origin: germline.
Comment: This sequence change replaces alanine, which is neutral and non-polar, with valine, which is neutral and non-polar, at codon 330 of the PAX4 protein (p.Ala330Val). This variant is present in population databases (rs2233583, gnomAD 0.2%), and has an allele count higher than expected for a pathogenic variant. This variant has not been reported in the literature in individuals affected with PAX4-related conditions. ClinVar contains an entry for this variant (Variation ID: 1345146). An algorithm developed to predict the effect of missense changes on protein structure and function outputs the following: PolyPhen-2: "Benign". The valine amino acid residue is found in multiple mammalian species, which suggests that this missense change does not adversely affect protein function. In summary, the available evidence is currently insufficient to determine the role of this variant in disease. Therefore, it has been classified as a Variant of Uncertain Significance.

PreventionGenetics, part of Exact Sciences
Classification: Likely benign for PAX4-related condition. Last evaluated: 2025-08-28. Review status: criteria provided, single submitter. Criteria: ACMG Guidelines, 2015. Collection method: clinical testing. Allele origin: germline.
Comment: This variant is classified as likely benign based on ACMG/AMP sequence variant interpretation guidelines (Richards et al. 2015 PMID: 25741868, with internal and published modifications).

ARUP Laboratories, Molecular Genetics and Genomics, ARUP Laboratories
Classification: Likely benign. Last evaluated: 2023-09-06. Review status: criteria provided, single submitter. Criteria: ARUP Molecular Germline Variant Investigation Process 2024. Collection method: clinical testing. Allele origin: germline.

New York Genome Center
Classification: Uncertain significance for Type 2 diabetes mellitus; Maturity-onset diabetes of the young type 9. Last evaluated: 2021-04-09. Review status: criteria provided, single submitter. Criteria: NYGC Assertion Criteria 2020. Collection method: clinical testing. Allele origin: germline. Observed: 1 heterozygote.
Comment: The heterozygous c.1013C>T (p.Ala338Val) variant identified in the PAX4 gene substitutes a moderately conserved Alanine for Valine at amino acid 338/352 (exon 12/12). This variant is identified in 81 heterozygotes and 1 homozygote in gnomAD(v3.1.1) withan allele frequency of 5.32e-4 . In silico algorithms do not agree on the effect of this variant, as it is predicted both Deleterious (SIFT; score:0.003) and Benign (REVEL; score:0.227) to the functionof the canonicaltranscript. This variant is absent from ClinVar and to our current knowledge has not been reported in affected individuals in the literature. Given the lack of compelling evidence for its pathogenicity, the heterozygous c.1013C>T (p.Ala338Val) variant identified in the PAX4 gene is reported as a Variant of Uncertain Significance.

Breakthrough Genomics
Classification: Uncertain significance. Review status: criteria provided, single submitter. Criteria: ACMG Guidelines, 2015. Collection method: not provided. Allele origin: germline. Inheritance: Autosomal recessive inheritance. Affected: yes.

NM_001366110.1(PAX4):c.1013C>T (p.Ala338Val)

Gene: PAX4 (paired box 4; minus strand). Cytogenetic location: 7q32.1.
Variant type: single nucleotide variant.
Coding change: c.1013C>T on transcript NM_001366110.1 (MANE Select); coding-DNA position 1013, C replaced by T.
Protein change: p.Ala338Val; replaces alanine 338 with valine.
Molecular consequence: missense variant. On other transcripts: intron variant (1).
Genome position (GRCh38, 1-based): chr7:127,611,107, G>A on the plus strand (C>T on the coding strand, the complement: PAX4 is on the minus strand). VCF-style: chr7-127611107-G-A. GRCh37 (hg19) VCF-style: chr7-127251161-G-A.
Other names: NM_006193.2:c.989C>T; c.914-122C>T (NM_001366111.1); short protein forms A338V.
Identifiers: ClinVar variation 1345146 (VCV001345146.12), dbSNP rs2233583, ClinGen allele CA4467845.